The following is an entry in ClinVar:

NM_001365999.1(SZT2):c.7846T>G (p.Leu2616Val)

Gene: SZT2 (SZT2 subunit of KICSTOR complex; plus strand). Cytogenetic location: 1p34.2.
Variant type: single nucleotide variant.
Coding change: c.7846T>G on transcript NM_001365999.1 (MANE Select); coding-DNA position 7846, T replaced by G.
Protein change: p.Leu2616Val; replaces leucine 2616 with valine.
Molecular consequence: missense variant.
Genome position (GRCh38, 1-based): chr1:43,442,103, T>G. VCF-style: chr1-43442103-T-G. GRCh37 (hg19) VCF-style: chr1-43907774-T-G.
Other names: c.7675T>G, p.Leu2559Val (NM_015284.4); short protein forms L2616V, L2559V.
Identifiers: ClinVar variation 950836 (VCV000950836.9), dbSNP rs776088687, ClinGen allele CA340036331.

ClinVar aggregate classification (germline): Uncertain significance (1 of 4 stars; one submission).

Submission:

Labcorp Genetics (formerly Invitae), Labcorp
Classification: Uncertain significance. Last evaluated: 2019-05-16. Review status: criteria provided, single submitter. Criteria: Invitae Variant Classification Sherloc (09022015). Collection method: clinical testing. Allele origin: germline.
Comment: Algorithms developed to predict the effect of missense changes on protein structure and function (SIFT, PolyPhen-2, Align-GVGD) all suggest that this variant is likely to be tolerated, but these predictions have not been confirmed by published functional studies and their clinical significance is uncertain. In summary, the available evidence is currently insufficient to determine the role of this variant in disease. Therefore, it has been classified as a Variant of Uncertain Significance. This variant is not present in population databases (ExAC no frequency). This variant has not been reported in the literature in individuals with SZT2-related conditions. This sequence change replaces leucine with valine at codon 2559 of the SZT2 protein (p.Leu2559Val). The leucine residue is moderately conserved and there is a small physicochemical difference between leucine and valine.